The following is an entry in ClinVar:

NM_000245.4(MET):c.2755G>A (p.Val919Ile)

Gene: MET (MET proto-oncogene, receptor tyrosine kinase; plus strand). Cytogenetic location: 7q31.2.
Variant type: single nucleotide variant.
Coding change: c.2755G>A on transcript NM_000245.4 (MANE Select); coding-DNA position 2755, G replaced by A.
Protein change: p.Val919Ile; replaces valine 919 with isoleucine.
Molecular consequence: missense variant.
Genome position (GRCh38, 1-based): chr7:116,771,522, G>A. VCF-style: chr7-116771522-G-A. GRCh37 (hg19) VCF-style: chr7-116411576-G-A.
Other names: c.2809G>A (LRG_662t1, NM_001127500.2); c.2809G>A, p.Val937Ile (NM_001127500.3); c.1465G>A, p.Val489Ile (NM_001324402.2); short protein forms V937I, V489I, V919I.
Identifiers: ClinVar variation 411896 (VCV000411896.26), dbSNP rs759522148, ClinGen allele CA4448584.

ClinVar aggregate classification (germline): Conflicting classifications of pathogenicity. Review status: criteria provided, conflicting classifications (1 of 4 stars). 7 submissions from 7 submitters: Uncertain significance (5); Benign (1); Likely benign (1). Last evaluated 2026-01-26.

Conditions:
Autosomal recessive nonsyndromic hearing loss 97. Also called: Deafness, autosomal recessive 97. Identifiers: Orphanet 90636, MedGen C4084709, MONDO:0014739, OMIM 616705.
Hereditary cancer-predisposing syndrome. Also called: Tumor predisposition; Hereditary Cancer Syndrome; Hereditary neoplastic syndrome; Neoplastic Syndromes, Hereditary. Identifiers: Orphanet 140162, MedGen C0027672, MeSH D009386, MONDO:0015356.
Renal cell carcinoma. Identifiers: Orphanet 217071, MedGen C0007134, MeSH D002292, MONDO:0005086, HP:0005584.
Papillary renal cell carcinoma type 1 (RCCP1). Also called: RENAL CELL CARCINOMA, PAPILLARY, 1, SOMATIC; Renal adenocarcinoma; Renal cell carcinoma 1; Renal cell carcinoma, somatic. Identifiers: Orphanet 47044, MedGen C1336839, OMIM 605074, HP:0011797.

Allele frequency attached by ClinVar (database versions not stated): gnomAD 0.00002 and 0.00003; TOPMed 0.00002; ExAC 0.00004; gnomAD exomes 0.00006.
gnomAD v4.1: 81 of 1,613,700 alleles (0.005%); highest among the groups gnomAD compares: East Asian, 0.04%; no homozygotes.

Submissions (7):

Labcorp Genetics (formerly Invitae), Labcorp
Classification: Likely benign for Renal cell carcinoma. Last evaluated: 2026-01-26. Review status: criteria provided, single submitter. Criteria: Invitae Variant Classification Sherloc (09022015). Collection method: clinical testing. Allele origin: germline.

Quest Diagnostics Nichols Institute San Juan Capistrano
Classification: Uncertain significance. Last evaluated: 2025-05-15. Review status: criteria provided, single submitter. Criteria: Quest Diagnostics criteria. Collection method: clinical testing. Allele origin: unknown.

Center for Genomic Medicine, Rigshospitalet, Copenhagen University Hospital
Classification: Uncertain significance. Last evaluated: 2025-03-04. Review status: criteria provided, single submitter. Criteria: ACMG Guidelines, 2015. Collection method: clinical testing. Allele origin: germline.

Baylor Genetics
Classification: Uncertain significance for Autosomal recessive nonsyndromic hearing loss 97. Last evaluated: 2023-08-30. Review status: criteria provided, single submitter. Criteria: ACMG Guidelines, 2015. Collection method: clinical testing. Allele origin: unknown.

St. Jude Molecular Pathology, St. Jude Children's Research Hospital
Classification: Uncertain significance for Papillary renal cell carcinoma type 1. Last evaluated: 2023-01-10. Review status: criteria provided, single submitter. Criteria: St. Jude Assertion Criteria 2020. Collection method: clinical testing. Allele origin: germline.
Comment: The MET c.2809G>A (p.Val937Ile)? missense change has a maximum subpopulation frequency of 0.039% in gnomAD v2.1.1. The in silico tool REVEL predicts a benign effect on protein function, but to our knowledge this prediction has not been confirmed by functional studies. To our knowledge, this variant has not been reported in individuals with hereditary papillary renal cell carcinoma. In summary, the evidence currently available is insufficient to determine the clinical significance of this variant. It has therefore been classified as of uncertain significance.?

Ambry Genetics
Classification: Benign for Hereditary cancer-predisposing syndrome. Last evaluated: 2022-12-06. Review status: criteria provided, single submitter. Criteria: Ambry Variant Classification Scheme 2023. Collection method: clinical testing. Allele origin: germline.

GeneDx
Classification: Uncertain significance. Last evaluated: 2022-06-08. Review status: criteria provided, single submitter. Criteria: GeneDx Variant Classification Process June 2021. Collection method: clinical testing. Allele origin: germline. Affected: yes.
Comment: In silico analysis supports that this missense variant does not alter protein structure/function; Has not been previously published as pathogenic or benign to our knowledge